The following is an entry in ClinVar:

ClinVar aggregate classification (germline): Pathogenic (1 of 4 stars; one submission).

Submission:

Illumina Laboratory Services, Illumina
Classification: Pathogenic. Last evaluated: 2020-11-09. Review status: criteria provided, single submitter. Criteria: ICSL CNVClassificationCriteria Aug2020. Collection method: clinical testing. Allele origin: unknown.
Comment: This CNV is a 71 kb deletion of 14q22.2 on chromosome 14, (seq[GRCh37]del(14)(q22.2); chr14:g.55343414_55414889del), of unknown inheritance. This CNV constitutes a loss affecting three genes, GCH1, MIR4308, and WDHD1. The proximal breakpoint lies in intron 1 of GCH1 resulting in deletion of exon 1, while the distal breakpoint lies in intron 24 of the WDHD1 gene resulting in deletion of exons 25 and 26. The MIR4308 gene is completely encompassed by the deletion. The GCH1 gene is associated with dopa-responsive dystonia (DRD). Full-gene deletions of GCH1 have been described in multiple individuals and families diagnosed with DRD (Hagenah et al. 2005; Steinberger et al. 2007; Zirn et al. 2008; Potulska-Chromik et al. 2017), as have multi-exonic deletions of GCH1 (Furukawa et al. 2000; Klein et al. 2002; Steinberger et al. 2007; Wider et al. 2008; Potulska-Chromik et al. 2017). Additionally, there are several reports of individuals and families diagnosed with DRD who carry deletions of exon 1 (Klein et al. 2002; Shi et al. 2015) or of exon 1 and the adjoining promoter/untranslated region (Theuns et al. 2012; DobriÄiÄ‡ et al. 2017). Intra- and interfamilial variability are reported, and reduced penetrance is noted (Klein et al. 2002; Theuns et al. 2012), though segregation of GCH1 deletions with DRD is reported through multiple generations (Steinberger et al. 2007; Wider et al. 2008; Theuns et al. 2012). Based on the collective evidence, this CNV is classified as pathogenic.

Literature cited by the submitters: PubMed 10762165; PubMed 12473771; PubMed 15753436; PubMed 17111153; PubMed 17804835; PubMed 17898029; PubMed 22976901; PubMed 26400349; PubMed 27667361; PubMed 28958832.

GRCh37/hg19 14q22.2(chr14:55343414-55414889)x1

Genes: GCH1 (GTP cyclohydrolase 1; minus strand), WDHD1 (WD repeat and HMG-box DNA binding protein 1; minus strand). Cytogenetic location: 14q22.2.
Variant type: copy number loss.
Change: copy number 1 (one copy instead of two) of chr14:55,343,414-55,414,889 (71.5 kb, GRCh37 coordinates, 1-based), cytogenetic band 14q22.2.
Identifiers: ClinVar variation 988922 (VCV000988922.4).